The following is an entry in ClinVar:

ClinVar aggregate classification (germline): Uncertain significance. Review status: criteria provided, multiple submitters, no conflicts (2 of 4 stars). 2 submissions from 2 submitters: Uncertain significance (2). Last evaluated 2024-05-15.

Submissions (2):

GeneDx
Classification: Uncertain significance. Last evaluated: 2024-05-15. Review status: criteria provided, single submitter. Criteria: GeneDx Variant Classification Process June 2021. Collection method: clinical testing. Allele origin: germline. Affected: yes.
Comment: Not observed at significant frequency in large population cohorts (gnomAD); In-frame insertion of 3 amino acids in a non-repeat region; Has not been previously published as pathogenic or benign to our knowledge

Blueprint Genetics
Classification: Uncertain significance. Last evaluated: 2023-06-20. Review status: criteria provided, single submitter. Criteria: ACMG Guidelines, 2015. Collection method: clinical testing. Allele origin: germline.

NM_031844.3(HNRNPU):c.651AGGCGGCGG[3] (p.Gly223_Arg224insGlyGlyGly)

Gene: HNRNPU (heterogeneous nuclear ribonucleoprotein U; minus strand). Cytogenetic location: 1q44.
Variant type: Microsatellite.
Coding change: c.651AGGCGGCGG[3] on transcript NM_031844.3 (MANE Select); three copies in a row of the 9-base unit AGGCGGCGG starting at c.651; the reference has two copies in a row; one copy, 9 bases duplicated.
Protein change: p.Gly223_Arg224insGlyGlyGly.
Molecular consequence: inframe insertion. On other transcripts: intron variant (1).
Genome position (GRCh38, 1-based): chr1:244,863,640-244,863,648, CCGCCGCCT duplicated on the plus strand (AGGCGGCGG on the coding strand, the reverse complement: HNRNPU is on the minus strand); duplicating any 9 consecutive bases within chr1:244,863,640-244,863,657 gives the same sequence; the position shown is the placement nearest the transcript's 3' end. VCF-style (leftmost placement, unchanged base first): chr1-244863639-A-ACCGCCGCCT. GRCh37 (hg19) VCF-style: chr1-245026941-A-ACCGCCGCCT.
Other names: c.634+17AGGCGGCGG[3] (NM_004501.3).
Identifiers: ClinVar variation 3381544 (VCV003381544.2).